The following is an entry in ClinVar:

ClinVar aggregate classification (germline): Conflicting classifications of pathogenicity. Review status: criteria provided, conflicting classifications (1 of 4 stars). 7 submissions from 6 submitters: Uncertain significance (1); Benign (1); Likely benign (4). 1 of the submissions does not count toward it. Last evaluated 2025-07-24.

Conditions:
SYNE1-related disorder. Also called: SYNE1-related disorders; SYNE1-related disease; SYNE1-related condition.
Autosomal recessive ataxia, Beauce type. Also called: SYNE1 Deficiency; Spinocerebellar ataxia, autosomal recessive 8; SYNE1-Related Autosomal Recessive Cerebellar Ataxia; ATAXIA, RECESSIVE, OF BEAUCE. Identifiers: Orphanet 88644, MedGen C1853116, MONDO:0012549, OMIM 610743.
Emery-Dreifuss muscular dystrophy 4, autosomal dominant (EDMD4). Also called: EMERY-DREIFUSS MUSCULAR DYSTROPHY 4 WITH VARIABLE FEATURES. Identifiers: Orphanet 261, MedGen C2751807, MONDO:0013071, OMIM 612998.

Allele frequency attached by ClinVar (database versions not stated): gnomAD 0.00002 and 0.00003; TOPMed 0.00003; gnomAD exomes 0.00004 and 0.00005; ExAC 0.00006; ESP Exome Variant Server 0.00008; 1000 Genomes Project 0.00020; 1000 Genomes Project 30x 0.00031.
gnomAD v4.1: 76 of 1,612,688 alleles (0.0047%); highest among the groups gnomAD compares: Middle Eastern, 0.78%; 4 homozygotes.

Submissions (7):

Labcorp Genetics (formerly Invitae), Labcorp
Classification: Likely benign for Emery-Dreifuss muscular dystrophy 4, autosomal dominant; Autosomal recessive ataxia, Beauce type. Last evaluated: 2025-07-24. Review status: criteria provided, single submitter. Criteria: Invitae Variant Classification Sherloc (09022015). Collection method: clinical testing. Allele origin: germline.

Blueprint Genetics
Classification: Likely benign. Last evaluated: 2023-06-14. Review status: criteria provided, single submitter. Criteria: ACMG Guidelines, 2015. Collection method: clinical testing. Allele origin: germline.

CeGaT Center for Human Genetics Tuebingen
Classification: Likely benign. Last evaluated: 2022-10-01. Review status: criteria provided, single submitter. Criteria: CeGaT Center For Human Genetics Tuebingen Variant Classification Criteria Version 2. Collection method: clinical testing. Allele origin: germline. Affected: yes. Observed: 5 variant alleles.
Comment: SYNE1: BP4, BP7

GeneDx
Classification: Likely benign. Last evaluated: 2018-05-14. Review status: criteria provided, single submitter. Criteria: GeneDx Variant Classification Process June 2021. Collection method: clinical testing. Allele origin: germline. Affected: yes.

Illumina Laboratory Services, Illumina
Classification: Benign for Emery-Dreifuss muscular dystrophy 4, autosomal dominant. Last evaluated: 2018-01-12. Review status: criteria provided, single submitter. Criteria: ICSL Variant Classification Criteria 13 December 2019. Collection method: clinical testing. Allele origin: germline.
Comment: This variant was observed in the ICSL laboratory as part of a predisposition screen in an ostensibly healthy population. It had not been previously curated by ICSL or reported in the Human Gene Mutation Database (HGMD: prior to June 1st, 2018), and was therefore a candidate for classification through an automated scoring system. Utilizing variant allele frequency, disease prevalence and penetrance estimates, and inheritance mode, an automated score was calculated to assess if this variant is too frequent to cause the disease. Based on the score and internal cut-off values, a variant classified as benign is not then subjected to further curation. The score for this variant resulted in a classification of benign for this disease.

Illumina Laboratory Services, Illumina
Classification: Uncertain significance for Autosomal recessive ataxia, Beauce type. Last evaluated: 2018-01-12. Review status: criteria provided, single submitter. Criteria: ICSL Variant Classification Criteria 13 December 2019. Collection method: clinical testing. Allele origin: germline.

PreventionGenetics, part of Exact Sciences
Classification: Likely benign for SYNE1-related condition. Last evaluated: 2019-06-20. Review status: no assertion criteria provided. Collection method: clinical testing. Allele origin: germline. Not counted in ClinVar's aggregate classification.
Comment: This variant is classified as likely benign based on ACMG/AMP sequence variant interpretation guidelines (Richards et al. 2015 PMID: 25741868, with internal and published modifications).

NM_182961.4(SYNE1):c.25629C>T (p.Gly8543=)

Gene: SYNE1 (spectrin repeat containing nuclear envelope protein 1; minus strand). Cytogenetic location: 6q25.2.
Variant type: single nucleotide variant.
Coding change: c.25629C>T on transcript NM_182961.4 (MANE Select); coding-DNA position 25629, C replaced by T.
Protein change: p.Gly8543=; no amino-acid change (glycine 8543 retained).
Molecular consequence: synonymous variant.
Genome position (GRCh38, 1-based): chr6:152,136,648, G>A on the plus strand (C>T on the coding strand, the complement: SYNE1 is on the minus strand). VCF-style: chr6-152136648-G-A. GRCh37 (hg19) VCF-style: chr6-152457783-G-A.
Other names: c.2235C>T, p.Gly745= (NM_001347701.2); c.2163C>T, p.Gly721= (NM_001347702.2); c.25485C>T, p.Gly8495= (NM_033071.5).
Identifiers: ClinVar variation 384884 (VCV000384884.92), dbSNP rs201344762, ClinGen allele CA4052783.